The following is an entry in ClinVar:

NM_001709.5(BDNF):c.150G>C (p.Lys50Asn)

Genes: BDNF (brain derived neurotrophic factor; minus strand), BDNF-AS (BDNF antisense RNA; plus strand). Cytogenetic location: 11p14.1.
Variant type: single nucleotide variant.
Coding change: c.150G>C on transcript NM_001709.5 (MANE Select); coding-DNA position 150, G replaced by C.
Protein change: p.Lys50Asn; replaces lysine 50 with asparagine.
Molecular consequence: missense variant. On other transcripts: non-coding transcript variant (5).
Genome position (GRCh38, 1-based): chr11:27,658,415, C>G on the plus strand (G>C on the coding strand, the complement: BDNF is on the minus strand). VCF-style: chr11-27658415-C-G. GRCh37 (hg19) VCF-style: chr11-27679962-C-G.
Other names: c.150G>C, p.Lys50Asn (NM_001143805.1, NM_001143806.1, NM_001143807.2 and 9 more transcripts); c.237G>C, p.Lys79Asn (NM_001143809.2); c.396G>C, p.Lys132Asn (NM_001143810.2); c.174G>C, p.Lys58Asn (NM_170731.5); c.195G>C, p.Lys65Asn (NM_170734.4); short protein forms K50N, K65N, K79N, K58N, K132N.
Identifiers: ClinVar variation 5002414 (VCV005002414.1).
Genomic context (GRCh38, chr11:27,658,415, plus strand): 5'-CAGCTCTTCTATCACGTGTTCGAAAGTGTCAGCCAATGATGTCAAGCCTCTTGAACCTGC[C>G]TTGGGCCCATTCACGCTCTCCAGAGTCCCATGGGTCCGCACACCTGGGTAGGCCAAGCCA-3'
Protein context (NP_001700.2, residues 40-60): HGTLESVNGP[Lys50Asn]AGSRGLTSLA

ClinVar aggregate classification (germline): Uncertain significance (1 of 4 stars; one submission).

Conditions:
BDNF-related disorder. Also called: BDNF-related condition.

Submission:

PreventionGenetics, part of Exact Sciences
Classification: Uncertain significance for BDNF-related condition. Last evaluated: 2025-02-19. Review status: criteria provided, single submitter. Criteria: ACMG Guidelines, 2015. Collection method: clinical testing. Allele origin: germline.
Comment: The BDNF c.396G>C variant is predicted to result in the amino acid substitution p.Lys132Asn. To our knowledge, this variant has not been reported in the literature or in a large population database (gnomAD), indicating this variant is rare. At this time, the clinical significance of this variant is uncertain due to the absence of conclusive functional and genetic evidence.